The following is an entry in ClinVar:

ClinVar aggregate classification (germline): Uncertain significance (1 of 4 stars; one submission).

Allele frequency attached by ClinVar (database versions not stated): gnomAD exomes below 0.00001; gnomAD 0.00001.
gnomAD v4.1: 2 of 1,609,674 alleles (0.00012%); highest among the groups gnomAD compares: Admixed American, 0.0033%; no homozygotes.

Submission:

Labcorp Genetics (formerly Invitae), Labcorp
Classification: Uncertain significance. Last evaluated: 2022-07-17. Review status: criteria provided, single submitter. Criteria: Invitae Variant Classification Sherloc (09022015). Collection method: clinical testing. Allele origin: germline.
Comment: This sequence change replaces threonine, which is neutral and polar, with alanine, which is neutral and non-polar, at codon 633 of the VPS13A protein (p.Thr633Ala). This variant is not present in population databases (gnomAD no frequency). This variant has not been reported in the literature in individuals affected with VPS13A-related conditions. Algorithms developed to predict the effect of missense changes on protein structure and function output the following: SIFT: "Tolerated"; PolyPhen-2: "Benign"; Align-GVGD: "Class C0". The alanine amino acid residue is found in multiple mammalian species, which suggests that this missense change does not adversely affect protein function. In summary, the available evidence is currently insufficient to determine the role of this variant in disease. Therefore, it has been classified as a Variant of Uncertain Significance.

NM_033305.3(VPS13A):c.1897A>G (p.Thr633Ala)

Gene: VPS13A (vacuolar protein sorting 13 homolog A; plus strand). Cytogenetic location: 9q21.2.
Variant type: single nucleotide variant.
Coding change: c.1897A>G on transcript NM_033305.3 (MANE Select); coding-DNA position 1897, A replaced by G.
Protein change: p.Thr633Ala; replaces threonine 633 with alanine.
Molecular consequence: missense variant.
Genome position (GRCh38, 1-based): chr9:77,238,383, A>G. VCF-style: chr9-77238383-A-G. GRCh37 (hg19) VCF-style: chr9-79853299-A-G.
Other names: c.1897A>G, p.Thr633Ala (NM_001018037.2, NM_001018038.3, NM_015186.4); short protein forms T633A.
Identifiers: ClinVar variation 2420551 (VCV002420551.3), dbSNP rs866084808, ClinGen allele CA194391519.